The following is an entry in ClinVar:

NM_014946.4(SPAST):c.1240A>C (p.Lys414Gln)

Gene: SPAST (spastin; plus strand). Cytogenetic location: 2p22.3.
Variant type: single nucleotide variant.
Coding change: c.1240A>C on transcript NM_014946.4 (MANE Select); coding-DNA position 1240, A replaced by C.
Protein change: p.Lys414Gln; replaces lysine 414 with glutamine.
Molecular consequence: missense variant.
Genome position (GRCh38, 1-based): chr2:32,128,474, A>C. VCF-style: chr2-32128474-A-C. GRCh37 (hg19) VCF-style: chr2-32353543-A-C.
Other names: c.1141A>C, p.Lys381Gln (NM_001363875.2); c.1144A>C, p.Lys382Gln (NM_001377959.1, NM_199436.2); c.1237A>C, p.Lys413Gln (NM_001363823.2); short protein forms K381Q, K382Q, K414Q, K413Q.
Identifiers: ClinVar variation 2760492 (VCV002760492.3), dbSNP rs2148746411, ClinGen allele CA346501505.

ClinVar aggregate classification (germline): Uncertain significance (1 of 4 stars; one submission).

Conditions:
Hereditary spastic paraplegia 4. Also called: Familial spastic paraplegia autosomal dominant 2; Spastic paraplegia 4, autosomal dominant; Spastic Paraplegia 4. Identifiers: Orphanet 100985, MedGen C1866855, MONDO:0008438, OMIM 182601.

Submission:

Labcorp Genetics (formerly Invitae), Labcorp
Classification: Uncertain significance for Hereditary spastic paraplegia 4. Last evaluated: 2023-09-13. Review status: criteria provided, single submitter. Criteria: Invitae Variant Classification Sherloc (09022015). Collection method: clinical testing. Allele origin: germline.
Comment: This variant is not present in population databases (gnomAD no frequency). In summary, the available evidence is currently insufficient to determine the role of this variant in disease. Therefore, it has been classified as a Variant of Uncertain Significance. Advanced modeling of protein sequence and biophysical properties (such as structural, functional, and spatial information, amino acid conservation, physicochemical variation, residue mobility, and thermodynamic stability) performed at Invitae indicates that this missense variant is expected to disrupt SPAST protein function. This variant has not been reported in the literature in individuals affected with SPAST-related conditions. This sequence change replaces lysine, which is basic and polar, with glutamine, which is neutral and polar, at codon 414 of the SPAST protein (p.Lys414Gln).